The following is an entry in ClinVar:

NM_001171.6(ABCC6):c.2035G>T (p.Glu679Ter)

Gene: ABCC6 (ATP binding cassette subfamily C member 6; minus strand). Cytogenetic location: 16p13.11.
Variant type: single nucleotide variant.
Coding change: c.2035G>T on transcript NM_001171.6 (MANE Select); coding-DNA position 2035, G replaced by T.
Protein change: p.Glu679Ter; replaces glutamic acid 679 with a stop codon.
Molecular consequence: nonsense. On other transcripts: non-coding transcript variant (1).
Genome position (GRCh38, 1-based): chr16:16,182,839, C>A on the plus strand (G>T on the coding strand, the complement: ABCC6 is on the minus strand). VCF-style: chr16-16182839-C-A. GRCh37 (hg19) VCF-style: chr16-16276696-C-A.
Other names: c.1693G>T, p.Glu565Ter (NM_001351800.1); short protein forms E565*, E679*.
Identifiers: ClinVar variation 2572576 (VCV002572576.3), dbSNP rs1050927346, ClinGen allele CA278648254.

ClinVar aggregate classification (germline): Pathogenic. Review status: criteria provided, multiple submitters, no conflicts (2 of 4 stars). 2 submissions from 2 submitters: Pathogenic (2). Last evaluated 2025-02-19.

Conditions:
Autosomal recessive inherited pseudoxanthoma elasticum (PXE). Identifiers: Orphanet 758, MedGen CN032334, MONDO:0009925, OMIM 264800.

Submissions (2):

Labcorp Genetics (formerly Invitae), Labcorp
Classification: Pathogenic. Last evaluated: 2025-02-19. Review status: criteria provided, single submitter. Criteria: Invitae Variant Classification Sherloc (09022015). Collection method: clinical testing. Allele origin: germline.
Comment: This sequence change creates a premature translational stop signal (p.Glu679*) in the ABCC6 gene. It is expected to result in an absent or disrupted protein product. Loss-of-function variants in ABCC6 are known to be pathogenic (PMID: 11536079, 17617515). This variant is not present in population databases (gnomAD no frequency). This premature translational stop signal has been observed in individual(s) with vision loss (PMID: 34440381). ClinVar contains an entry for this variant (Variation ID: 2572576). Algorithms developed to predict the effect of sequence changes on RNA splicing suggest that this variant may disrupt the consensus splice site. For these reasons, this variant has been classified as Pathogenic.

3billion
Classification: Pathogenic for Autosomal recessive inherited pseudoxanthoma elasticum. Last evaluated: 2024-06-17. Review status: criteria provided, single submitter. Criteria: ACMG Guidelines, 2015. Collection method: clinical testing. Allele origin: germline. Affected: yes.
Comment: The variant is not observed in the gnomAD v4.0.0 dataset. Predicted Consequence/Location: Stop-gained (nonsense): predicted to result in a loss or disruption of normal protein function through nonsense-mediated decay (NMD) or protein truncation. Multiple pathogenic variants are reported downstream of the variant. The variant has been reported to be associated with ABCC6 related disorder (ClinVar ID: VCV002572576 /PMID: 34440381). Therefore, this variant is classified as Pathogenic according to the recommendation of ACMG/AMP guideline.

Literature cited by the submitters: PubMed 11536079 (cited by Labcorp Genetics (formerly Invitae), Labcorp); PubMed 17617515 (cited by Labcorp Genetics (formerly Invitae), Labcorp); PubMed 34440381 (cited by Labcorp Genetics (formerly Invitae), Labcorp and 3billion).